The following is an entry in ClinVar:

NM_003055.3(SLC18A3):c.1076A>T (p.Tyr359Phe)

Genes: CHAT (choline O-acetyltransferase; plus strand), SLC18A3 (solute carrier family 18 member A3; plus strand). Cytogenetic location: 10q11.23.
Variant type: single nucleotide variant.
Coding change: c.1076A>T on transcript NM_003055.3 (MANE Select); coding-DNA position 1076, A replaced by T.
Protein change: p.Tyr359Phe; replaces tyrosine 359 with phenylalanine.
Molecular consequence: missense variant. On other transcripts: intron variant (1).
Genome position (GRCh38, 1-based): chr10:49,611,816, A>T. VCF-style: chr10-49611816-A-T. GRCh37 (hg19) VCF-style: chr10-50819862-A-T.
Other names: c.-69+2617A>T (NM_020984.4); short protein forms Y359F.
Identifiers: ClinVar variation 1468659 (VCV001468659.7), dbSNP rs866463543, ClinGen allele CA376722000.

ClinVar aggregate classification (germline): Uncertain significance (1 of 4 stars; one submission).

Allele frequency attached by ClinVar (database versions not stated): gnomAD exomes below 0.00001.
gnomAD v4.1: 2 of 1,603,750 alleles (0.00012%); highest among the groups gnomAD compares: South Asian, 0.0022%; no homozygotes.

Submission:

Labcorp Genetics (formerly Invitae), Labcorp
Classification: Uncertain significance. Last evaluated: 2021-12-15. Review status: criteria provided, single submitter. Criteria: Invitae Variant Classification Sherloc (09022015). Collection method: clinical testing. Allele origin: germline.
Comment: This variant is present in population databases (no rsID available, gnomAD 0.003%). This variant has not been reported in the literature in individuals affected with SLC18A3-related conditions. Algorithms developed to predict the effect of missense changes on protein structure and function are either unavailable or do not agree on the potential impact of this missense change (SIFT: "Tolerated"; PolyPhen-2: "Possibly Damaging"; Align-GVGD: "Class C0"). In summary, the available evidence is currently insufficient to determine the role of this variant in disease. Therefore, it has been classified as a Variant of Uncertain Significance. This sequence change replaces tyrosine, which is neutral and polar, with phenylalanine, which is neutral and non-polar, at codon 359 of the SLC18A3 protein (p.Tyr359Phe).